The following is an entry in ClinVar:

NM_153614.4(DNAJB13):c.572G>A (p.Gly191Asp)

Gene: DNAJB13 (DnaJ heat shock protein family (Hsp40) member B13; plus strand). Cytogenetic location: 11q13.4.
Variant type: single nucleotide variant.
Coding change: c.572G>A on transcript NM_153614.4 (MANE Select); coding-DNA position 572, G replaced by A.
Protein change: p.Gly191Asp; replaces glycine 191 with aspartic acid.
Molecular consequence: missense variant.
Genome position (GRCh38, 1-based): chr11:73,966,217, G>A. VCF-style: chr11-73966217-G-A. GRCh37 (hg19) VCF-style: chr11-73677262-G-A.
Other names: c.398G>A, p.Gly133Asp (NM_001377263.1); c.572G>A (NM_153614.2); short protein forms G133D, G191D.
Identifiers: ClinVar variation 1940345 (VCV001940345.4), dbSNP rs2495968608, ClinGen allele CA381807839.

ClinVar aggregate classification (germline): Uncertain significance. Review status: criteria provided, multiple submitters, no conflicts (2 of 4 stars). 2 submissions from 2 submitters: Uncertain significance (2). Last evaluated 2024-01-30.

Submissions (2):

Ambry Genetics
Classification: Uncertain significance. Last evaluated: 2024-01-30. Review status: criteria provided, single submitter. Criteria: Ambry Variant Classification Scheme 2023. Collection method: clinical testing. Allele origin: germline.

Labcorp Genetics (formerly Invitae), Labcorp
Classification: Uncertain significance. Last evaluated: 2023-12-11. Review status: criteria provided, single submitter. Criteria: Invitae Variant Classification Sherloc (09022015). Collection method: clinical testing. Allele origin: germline.
Comment: This sequence change replaces glycine, which is neutral and non-polar, with aspartic acid, which is acidic and polar, at codon 191 of the DNAJB13 protein (p.Gly191Asp). This variant is not present in population databases (gnomAD no frequency). This variant has not been reported in the literature in individuals affected with DNAJB13-related conditions. ClinVar contains an entry for this variant (Variation ID: 1940345). Advanced modeling of protein sequence and biophysical properties (such as structural, functional, and spatial information, amino acid conservation, physicochemical variation, residue mobility, and thermodynamic stability) performed at Invitae indicates that this missense variant is not expected to disrupt DNAJB13 protein function with a negative predictive value of 80%. In summary, the available evidence is currently insufficient to determine the role of this variant in disease. Therefore, it has been classified as a Variant of Uncertain Significance.